The following is an entry in ClinVar:

NM_014244.5(ADAMTS2):c.2043del (p.Tyr682fs)

Gene: ADAMTS2 (ADAM metallopeptidase with thrombospondin type 1 motif 2; minus strand). Cytogenetic location: 5q35.3.
Variant type: Deletion.
Coding change: c.2043del on transcript NM_014244.5 (MANE Select); coding-DNA position 2043, one base deleted (C; older notation c.2043delC).
Protein change: p.Tyr682fs; shifts the reading frame from tyrosine 682.
Molecular consequence: frameshift variant.
Genome position (GRCh38, 1-based): chr5:179,135,951, G deleted on the plus strand (C on the coding strand, the reverse complement: ADAMTS2 is on the minus strand); the first of 2 consecutive G bases (chr5:179,135,951-179,135,952); deleting either gives the same sequence. VCF-style (leftmost placement, unchanged base first): chr5-179135950-AG-A. GRCh37 (hg19) VCF-style: chr5-178562951-AG-A.
Other names: short protein forms Y682fs.
Identifiers: ClinVar variation 2850223 (VCV002850223.3), dbSNP rs2480190517, ClinGen allele CA2739272814.

ClinVar aggregate classification (germline): Pathogenic (1 of 4 stars; one submission).

Conditions:
Ehlers-Danlos syndrome, dermatosparaxis type. Also called: Dermatosparaxis; EDS VIIC; Ehlers-Danlos syndrome, type VII, autosomal recessive. Identifiers: Orphanet 1901, MedGen C2700425, MONDO:0009161, OMIM 225410.

Submission:

Labcorp Genetics (formerly Invitae), Labcorp
Classification: Pathogenic for Ehlers-Danlos syndrome, dermatosparaxis type. Last evaluated: 2023-03-27. Review status: criteria provided, single submitter. Criteria: Invitae Variant Classification Sherloc (09022015). Collection method: clinical testing. Allele origin: germline.
Comment: For these reasons, this variant has been classified as Pathogenic. This variant has not been reported in the literature in individuals affected with ADAMTS2-related conditions. This variant is not present in population databases (gnomAD no frequency). This sequence change creates a premature translational stop signal (p.Tyr682Thrfs*21) in the ADAMTS2 gene. It is expected to result in an absent or disrupted protein product. Loss-of-function variants in ADAMTS2 are known to be pathogenic (PMID: 10417273).

Literature cited by the submitters: PubMed 10417273.